The following is an entry in ClinVar:

ClinVar aggregate classification (germline): Uncertain significance (1 of 4 stars; one submission).

Submission:

GeneDx
Classification: Uncertain significance. Last evaluated: 2017-10-24. Review status: criteria provided, single submitter. Criteria: GeneDx Variant Classification (06012015). Collection method: clinical testing. Allele origin: germline. Affected: yes.
Comment: The P109S variant has not been published as a pathogenic variant, nor has it been reported as a benign variant to our knowledge. The P109S variant is not observed in large population cohorts (Lek et al., 2016). The P109S variant is a non-conservative amino acid substitution, which is likely to impact secondary protein structure as these residues differ in polarity, charge, size and/or other properties. This substitution occurs at a position that is conserved across species; however, Serine is observed at this position in evolution. In silico analysis predicts this variant is probably damaging to the protein structure/function. Therefore, based on the currently available information, it is unclear whether this variant is a pathogenic variant or a rare benign variant.

NM_017882.3(CLN6):c.325C>T (p.Pro109Ser)

Gene: CLN6 (CLN6 transmembrane ER protein; minus strand). Cytogenetic location: 15q23.
Variant type: single nucleotide variant.
Coding change: c.325C>T on transcript NM_017882.3 (MANE Select); coding-DNA position 325, C replaced by T.
Protein change: p.Pro109Ser; replaces proline 109 with serine.
Molecular consequence: missense variant.
Genome position (GRCh38, 1-based): chr15:68,211,836, G>A on the plus strand (C>T on the coding strand, the complement: CLN6 is on the minus strand). VCF-style: chr15-68211836-G-A. GRCh37 (hg19) VCF-style: chr15-68504174-G-A.
Other names: short protein forms P109S.
Identifiers: ClinVar variation 449157 (VCV000449157.2), dbSNP rs1555438696, ClinGen allele CA392973642.